The following is an entry in ClinVar:

ClinVar aggregate classification (germline): Uncertain significance (1 of 4 stars; one submission).

Submission:

GeneDx
Classification: Uncertain significance. Last evaluated: 2023-10-06. Review status: criteria provided, single submitter. Criteria: GeneDx Variant Classification Process June 2021. Collection method: clinical testing. Allele origin: germline. Affected: yes.
Comment: Not observed at significant frequency in large population cohorts (gnomAD); In silico analysis supports that this missense variant has a deleterious effect on protein structure/function; Has not been previously published as pathogenic or benign to our knowledge

NM_006852.6(TLK2):c.950C>T (p.Ala317Val)

Genes: TLK2 (tousled like kinase 2; plus strand), LOC126862611 (CDK7 strongly-dependent group 2 enhancer GRCh37_chr17:60642433-60643632; plus strand). Cytogenetic location: 17q23.2.
Variant type: single nucleotide variant.
Coding change: c.950C>T on transcript NM_006852.6 (MANE Select); coding-DNA position 950, C replaced by T.
Protein change: p.Ala317Val; replaces alanine 317 with valine.
Molecular consequence: missense variant.
Genome position (GRCh38, 1-based): chr17:62,565,119, C>T. VCF-style: chr17-62565119-C-T. GRCh37 (hg19) VCF-style: chr17-60642480-C-T.
Other names: c.950C>T, p.Ala317Val (NM_001284333.3, NM_001375270.1, NM_001375271.1); c.854C>T, p.Ala285Val (NM_001284363.1, NM_001375272.1); c.503C>T, p.Ala168Val (NM_001330418.3, NM_001375273.1); c.992C>T, p.Ala331Val (NM_001375269.1); c.665C>T, p.Ala222Val (NM_001411074.1); short protein forms A168V, A222V, A285V, A317V, A331V.
Identifiers: ClinVar variation 3252781 (VCV003252781.1), dbSNP rs2079645739.